The following is an entry in ClinVar:

ClinVar aggregate classification (germline): Uncertain significance. Review status: criteria provided, multiple submitters, no conflicts (2 of 4 stars). 2 submissions from 2 submitters: Uncertain significance (2). Last evaluated 2023-08-21.

Conditions:
Inborn genetic diseases. Identifiers: MedGen C0950123, MeSH D030342.

Allele frequency attached by ClinVar (database versions not stated): gnomAD exomes 0.00001 and 0.00004; gnomAD 0.00005 and 0.00006; TOPMed 0.00010.

Submissions (2):

Ambry Genetics
Classification: Uncertain significance for Inborn genetic diseases. Last evaluated: 2023-08-21. Review status: criteria provided, single submitter. Criteria: Ambry Variant Classification Scheme 2023. Collection method: clinical testing. Allele origin: germline.

Labcorp Genetics (formerly Invitae), Labcorp
Classification: Uncertain significance. Last evaluated: 2022-10-24. Review status: criteria provided, single submitter. Criteria: Invitae Variant Classification Sherloc (09022015). Collection method: clinical testing. Allele origin: germline.
Comment: This sequence change replaces leucine, which is neutral and non-polar, with phenylalanine, which is neutral and non-polar, at codon 79 of the KIAA1549 protein (p.Leu79Phe). This variant is present in population databases (rs775923220, gnomAD 0.003%). This variant has not been reported in the literature in individuals affected with KIAA1549-related conditions. ClinVar contains an entry for this variant (Variation ID: 956266). Algorithms developed to predict the effect of missense changes on protein structure and function output the following: SIFT: "Tolerated"; PolyPhen-2: "Benign"; Align-GVGD: "Class C0". The phenylalanine amino acid residue is found in multiple mammalian species, which suggests that this missense change does not adversely affect protein function. In summary, the available evidence is currently insufficient to determine the role of this variant in disease. Therefore, it has been classified as a Variant of Uncertain Significance.

NM_001164665.2(KIAA1549):c.235C>T (p.Leu79Phe)

Gene: KIAA1549 (KIAA1549; minus strand). Cytogenetic location: 7q34.
Variant type: single nucleotide variant.
Coding change: c.235C>T on transcript NM_001164665.2 (MANE Select); coding-DNA position 235, C replaced by T.
Protein change: p.Leu79Phe; replaces leucine 79 with phenylalanine.
Molecular consequence: missense variant.
Genome position (GRCh38, 1-based): chr7:138,919,391, G>A on the plus strand (C>T on the coding strand, the complement: KIAA1549 is on the minus strand). VCF-style: chr7-138919391-G-A. GRCh37 (hg19) VCF-style: chr7-138604137-G-A.
Other names: c.235C>T, p.Leu79Phe (NM_020910.3); short protein forms L79F.
Identifiers: ClinVar variation 956266 (VCV000956266.8), dbSNP rs775923220, ClinGen allele CA167167324.
Genomic context (GRCh38, chr7:138,919,391, plus strand): 5'-GAGCAGTTTCTGTTAAGGCCACTTGTGCAGCGCTGTGCCCAGTGCTTTTCTTCAGCACGA[G>A]CTCCATGGAGTATAAAGAAAGGTTGTGCTGTTCCGGAGAGAGCTCATCTATCAAGAAAAT-3'
Protein context (NP_001158137.1, residues 69-89): QHNLSLYSME[Leu79Phe]VLKKSTGHSA